The following is an entry in ClinVar:

NM_000158.4(GBE1):c.367G>T (p.Glu123Ter)

Gene: GBE1 (1,4-alpha-glucan branching enzyme 1; minus strand). Cytogenetic location: 3p12.2.
Variant type: single nucleotide variant.
Coding change: c.367G>T on transcript NM_000158.4 (MANE Select); coding-DNA position 367, G replaced by T.
Protein change: p.Glu123Ter; replaces glutamic acid 123 with a stop codon.
Molecular consequence: nonsense.
Genome position (GRCh38, 1-based): chr3:81,670,900, C>A on the plus strand (G>T on the coding strand, the complement: GBE1 is on the minus strand). VCF-style: chr3-81670900-C-A. GRCh37 (hg19) VCF-style: chr3-81720051-C-A.
Other names: short protein forms E123*.
Identifiers: ClinVar variation 2000168 (VCV002000168.4), dbSNP rs2471864436, ClinGen allele CA353688943.

ClinVar aggregate classification (germline): Pathogenic (1 of 4 stars; one submission).

Conditions:
Glycogen storage disease IV, classic hepatic. Also called: GSD IV, CLASSIC HEPATIC. Identifiers: MedGen C1856301.
Glycogen storage disease, type IV (GSD4). Also called: Glycogen storage disease due to glycogen branching enzyme deficiency; BRANCHER DEFICIENCY; AMYLOPECTINOSIS; ANDERSEN DISEASE; CIRRHOSIS, FAMILIAL, WITH DEPOSITION OF ABNORMAL GLYCOGEN; GBE1 DEFICIENCY. Identifiers: Orphanet 367, MedGen C0017923, MONDO:0009292, OMIM 232500.

Submission:

Labcorp Genetics (formerly Invitae), Labcorp
Classification: Pathogenic for Glycogen storage disease, type IV; Glycogen storage disease IV, classic hepatic. Last evaluated: 2022-05-28. Review status: criteria provided, single submitter. Criteria: Invitae Variant Classification Sherloc (09022015). Collection method: clinical testing. Allele origin: germline.
Comment: For these reasons, this variant has been classified as Pathogenic. This variant has not been reported in the literature in individuals affected with GBE1-related conditions. This variant is not present in population databases (gnomAD no frequency). This sequence change creates a premature translational stop signal (p.Glu123*) in the GBE1 gene. It is expected to result in an absent or disrupted protein product. Loss-of-function variants in GBE1 are known to be pathogenic (PMID: 15452297, 20058079).

Literature cited by the submitters: PubMed 15452297; PubMed 20058079.